The following is an entry in ClinVar:

ClinVar aggregate classification (germline): Conflicting classifications of pathogenicity. Review status: criteria provided, conflicting classifications (1 of 4 stars). 4 submissions from 4 submitters: Uncertain significance (3); Benign (1). Last evaluated 2026-03-24.

Conditions:
Inborn genetic diseases. Identifiers: MedGen C0950123, MeSH D030342.
Familial temporal lobe epilepsy 7. Identifiers: Orphanet 101046, MedGen C4225327, MONDO:0014639, OMIM 616436.
Norman-Roberts syndrome (LIS2). Also called: Lissencephaly 2 (Norman-Roberts type). Identifiers: Orphanet 89844, MedGen C0796089, MONDO:0009760, OMIM 257320.

Allele frequency attached by ClinVar (database versions not stated): gnomAD 0.00010 and 0.00009; ESP Exome Variant Server 0.00023; gnomAD exomes 0.00001 and 0.00004; ExAC 0.00006; TOPMed 0.00008.
gnomAD v4.1: 29 of 1,614,060 alleles (0.0018%); highest among the groups gnomAD compares: Middle Eastern, 0.049%; no homozygotes.

Submissions (4):

Clinical Genomic Analysis (GENYSIS) Core, University of North Carolina at Chapel Hill
Classification: Uncertain significance for Familial temporal lobe epilepsy 7. Last evaluated: 2026-03-24. Review status: criteria provided, single submitter. Criteria: ACMG Guidelines, 2015. Collection method: research. Allele origin: maternal. Affected: yes. Observed: 1 variant allele, 1 heterozygote. Study: UNC Genetic Determinants of Neurological and Developmental Disorders (GDNDD) Study.
Comment: RELN c.6853C>T, p.(Arg2285Cys), is a missense variant in exon 44 of 65 that changes a single amino acid from an arginine to a cystine. This variant is present at a maximum population allele frequency of 0.023% (17/74920 alleles) in gnomADv4.1.0 and has been reported with conflicting interpretations (uncertain significance, benign) in ClinVar. In addition, this variant is not located within any known domains or motifs and in silico pathogenicity prediction models are conflicting. Given the available evidence, this variant is classified as a variant of uncertain significance.

GeneDx
Classification: Uncertain significance. Last evaluated: 2025-08-01. Review status: criteria provided, single submitter. Criteria: GeneDx Variant Classification Process June 2021. Collection method: clinical testing. Allele origin: germline. Affected: yes.
Comment: In silico analysis supports that this missense variant has a deleterious effect on protein structure/function; Has not been previously published as pathogenic or benign to our knowledge

Labcorp Genetics (formerly Invitae), Labcorp
Classification: Benign for Familial temporal lobe epilepsy 7; Norman-Roberts syndrome. Last evaluated: 2025-07-27. Review status: criteria provided, single submitter. Criteria: Invitae Variant Classification Sherloc (09022015). Collection method: clinical testing. Allele origin: germline.

Ambry Genetics
Classification: Uncertain significance for Inborn genetic diseases. Last evaluated: 2025-04-09. Review status: criteria provided, single submitter. Criteria: Ambry Variant Classification Scheme 2023. Collection method: clinical testing. Allele origin: germline.

NM_005045.4(RELN):c.6853C>T (p.Arg2285Cys)

Gene: RELN (reelin; minus strand). Cytogenetic location: 7q22.1.
Variant type: single nucleotide variant.
Coding change: c.6853C>T on transcript NM_005045.4 (MANE Select); coding-DNA position 6853, C replaced by T.
Protein change: p.Arg2285Cys; replaces arginine 2285 with cysteine.
Molecular consequence: missense variant.
Genome position (GRCh38, 1-based): chr7:103,540,274, G>A on the plus strand (C>T on the coding strand, the complement: RELN is on the minus strand). VCF-style: chr7-103540274-G-A. GRCh37 (hg19) VCF-style: chr7-103180721-G-A.
Other names: c.6853C>T, p.Arg2285Cys (NM_173054.3); c.6853C>T (NM_005045.3); short protein forms R2285C.
Identifiers: ClinVar variation 1524872 (VCV001524872.9), dbSNP rs144565023, ClinGen allele CA4420871.